The following is an entry in ClinVar:

NM_001244008.2(KIF1A):c.3202+10C>A

Gene: KIF1A (kinesin family member 1A; minus strand). Cytogenetic location: 2q37.3.
Variant type: single nucleotide variant.
Coding change: c.3202+10C>A on transcript NM_001244008.2 (MANE Select); 10 bases into the intron after coding-DNA position 3202, C replaced by A.
Molecular consequence: intron variant.
Genome position (GRCh38, 1-based): chr2:240,746,029, G>T on the plus strand (C>A on the coding strand, the complement: KIF1A is on the minus strand). VCF-style: chr2-240746029-G-T. GRCh37 (hg19) VCF-style: chr2-241685446-G-T.
Other names: p.?; c.2899+10C>A (NM_001379653.1, NM_001379650.1, NM_001379640.1 and 7 more transcripts); c.3175+10C>A (NM_001379645.1, NM_001379633.1, NM_001379642.1); c.3001+10C>A (NM_001379635.1, NM_001330290.2, NM_001379646.1 and 1 more transcripts); c.3151+10C>A (NM_001379632.1); c.2974+10C>A (NM_001379637.1, NM_001379648.1); c.2926+10C>A (NM_001320705.2, NM_001379638.1, NM_001330289.2); c.3277+10C>A (NM_001379631.1).
Identifiers: ClinVar variation 129397 (VCV000129397.24), dbSNP rs190997558, ClinGen allele CA231214.

ClinVar aggregate classification (germline): Conflicting classifications of pathogenicity. Review status: criteria provided, conflicting classifications (1 of 4 stars). 8 submissions from 8 submitters: Uncertain significance (1); Benign (4); Likely benign (3). Last evaluated 2026-01-28.

Conditions:
Neuropathy, hereditary sensory, type 2C. Also called: Hereditary sensory and autonomic neuropathy type IIC; KIF1A-Related HSAN2 (HSAN2C). Identifiers: Orphanet 970, MedGen C3280168, MONDO:0013634, OMIM 614213.
Intellectual disability, autosomal dominant 9 (NESCAVS). Also called: NESCAV SYNDROME; KIF1A-Related Neurodevelopmental Disorder. Identifiers: Orphanet 662367, MedGen C5393830, MONDO:0013656, OMIM 614255.
Hereditary spastic paraplegia 30. Identifiers: Orphanet 101010, MedGen C5235139, MONDO:0012476.

Allele frequency attached by ClinVar (database versions not stated): gnomAD exomes 0.00029 and 0.00065; ExAC 0.00113; gnomAD 0.00308 and 0.00326; 1000 Genomes Project 0.00319; ESP Exome Variant Server 0.00343; 1000 Genomes Project 30x 0.00344; TOPMed 0.00377.
gnomAD v4.1: 912 of 1,607,380 alleles (0.057%); highest among the groups gnomAD compares: African/African-American, 1.1%; 7 homozygotes.

Submissions (8):

Labcorp Genetics (formerly Invitae), Labcorp
Classification: Benign for Hereditary spastic paraplegia 30; Neuropathy, hereditary sensory, type 2C; Intellectual disability, autosomal dominant 9. Last evaluated: 2026-01-28. Review status: criteria provided, single submitter. Criteria: Invitae Variant Classification Sherloc (09022015). Collection method: clinical testing. Allele origin: germline.

Blueprint Genetics
Classification: Likely benign. Last evaluated: 2024-11-06. Review status: criteria provided, single submitter. Criteria: ACMG Guidelines, 2015. Collection method: clinical testing. Allele origin: germline.

Athena Diagnostics
Classification: Benign. Last evaluated: 2024-09-16. Review status: criteria provided, single submitter. Criteria: Athena Diagnostics Criteria. Collection method: clinical testing. Allele origin: unknown.

ARUP Laboratories, Molecular Genetics and Genomics, ARUP Laboratories
Classification: Benign. Last evaluated: 2024-04-26. Review status: criteria provided, single submitter. Criteria: ARUP Molecular Germline Variant Investigation Process 2024. Collection method: clinical testing. Allele origin: germline.

Mayo Clinic Laboratories, Mayo Clinic
Classification: Benign. Last evaluated: 2024-03-07. Review status: criteria provided, single submitter. Criteria: ACMG Guidelines, 2015. Collection method: clinical testing. Allele origin: germline. Observed: 3 variant alleles.
Comment: BA1, BS2, BP4, BP7

Illumina Laboratory Services, Illumina
Classification: Likely benign for Spastic paraplegia 30A, autosomal dominant. Last evaluated: 2018-01-13. Review status: criteria provided, single submitter. Criteria: ICSL Variant Classification Criteria 13 December 2019. Collection method: clinical testing. Allele origin: germline.
Comment: This variant was observed in the ICSL laboratory as part of a predisposition screen in an ostensibly healthy population. It had not been previously curated by ICSL or reported in the Human Gene Mutation Database (HGMD: prior to June 1st, 2018), and was therefore a candidate for classification through an automated scoring system. Utilizing variant allele frequency, disease prevalence and penetrance estimates, and inheritance mode, an automated score was calculated to assess if this variant is too frequent to cause the disease. Based on the score and internal cut-off values, a variant classified as likely benign is not then subjected to further curation. The score for this variant resulted in a classification of likely benign for this disease.

GeneDx
Classification: Likely benign. Last evaluated: 2017-07-10. Review status: criteria provided, single submitter. Criteria: GeneDx Variant Classification (06012015). Collection method: clinical testing. Allele origin: germline. Affected: yes.
Comment: This variant is considered likely benign or benign based on one or more of the following criteria: it is a conservative change, it occurs at a poorly conserved position in the protein, it is predicted to be benign by multiple in silico algorithms, and/or has population frequency not consistent with disease.

Genetic Services Laboratory, University of Chicago
Classification: Uncertain significance. Last evaluated: 2014-03-18. Review status: criteria provided, single submitter. Criteria: ACMG Guidelines, 2007. Collection method: clinical testing. Allele origin: germline.